The following is an entry in ClinVar:

ClinVar aggregate classification (germline): Likely benign (0 of 4 stars; one submission).

Conditions:
MUC16-related disorder. Also called: MUC16-related condition.

Allele frequency attached by ClinVar (database versions not stated): 1000 Genomes Project 30x 0.03888.

Submission:

PreventionGenetics, part of Exact Sciences
Classification: Likely benign for MUC16-related condition. Last evaluated: 2019-10-18. Review status: no assertion criteria provided. Collection method: clinical testing. Allele origin: germline.
Comment: This variant is classified as likely benign based on ACMG/AMP sequence variant interpretation guidelines (Richards et al. 2015 PMID: 25741868, with internal and published modifications).

NM_001401501.2(MUC16):c.43098T>C (p.Val14366=)

Gene: MUC16 (mucin 16, cell surface associated; minus strand). Cytogenetic location: 19p13.2.
Variant type: single nucleotide variant.
Coding change: c.43098T>C on transcript NM_001401501.2 (MANE Select); coding-DNA position 43098, T replaced by C.
Protein change: p.Val14366=; no amino-acid change (valine 14366 retained).
Molecular consequence: synonymous variant.
Genome position (GRCh38, 1-based): chr19:8,889,509, A>G on the plus strand (T>C on the coding strand, the complement: MUC16 is on the minus strand). VCF-style: chr19-8889509-A-G. GRCh37 (hg19) VCF-style: chr19-9000185-A-G.
Other names: c.43524T>C, p.Val14508= (NM_001414686.1); c.42978T>C, p.Val14326= (NM_001414687.1); c.40572T>C, p.Val13524= (NM_024690.2).
Identifiers: ClinVar variation 3060592 (VCV003060592.2), dbSNP rs1467863711, ClinGen allele CA505284466.